The following is an entry in ClinVar:

ClinVar aggregate classification (germline): Benign. Review status: criteria provided, multiple submitters, no conflicts (2 of 4 stars). 4 submissions from 4 submitters: Benign (4). Last evaluated 2026-04-01.

Allele frequency attached by ClinVar (database versions not stated): 1000 Genomes Project 0.00579; 1000 Genomes Project 30x 0.00593; ESP Exome Variant Server 0.00646; TOPMed 0.00683; gnomAD 0.00730 and 0.00754; gnomAD exomes 0.00740 and 0.00939; ExAC 0.00763.

Submissions (4):

CeGaT Center for Human Genetics Tuebingen
Classification: Benign. Last evaluated: 2026-04-01. Review status: criteria provided, single submitter. Criteria: CeGaT Center For Human Genetics Tuebingen Variant Classification Criteria Version 2. Collection method: clinical testing. Allele origin: germline. Affected: yes. Observed: 10 variant alleles.
Comment: MRPL12: BP4, BS1, BS2

Labcorp Genetics (formerly Invitae), Labcorp
Classification: Benign. Last evaluated: 2026-01-27. Review status: criteria provided, single submitter. Criteria: Invitae Variant Classification Sherloc (09022015). Collection method: clinical testing. Allele origin: germline.

GeneDx
Classification: Benign. Last evaluated: 2016-03-29. Review status: criteria provided, single submitter. Criteria: GeneDx Variant Classification (06012015). Collection method: clinical testing. Allele origin: germline. Affected: yes.
Comment: This variant is considered likely benign or benign based on one or more of the following criteria: it is a conservative change, it occurs at a poorly conserved position in the protein, it is predicted to be benign by multiple in silico algorithms, and/or has population frequency not consistent with disease.

Breakthrough Genomics
Classification: Benign. Review status: criteria provided, single submitter. Criteria: ACMG Guidelines, 2015. Collection method: not provided. Allele origin: germline. Inheritance: Autosomal recessive inheritance. Affected: yes.

NM_002949.4(MRPL12):c.133T>C (p.Cys45Arg)

Gene: MRPL12 (mitochondrial ribosomal protein L12; plus strand). Cytogenetic location: 17q25.3.
Variant type: single nucleotide variant.
Coding change: c.133T>C on transcript NM_002949.4 (MANE Select); coding-DNA position 133, T replaced by C.
Protein change: p.Cys45Arg; replaces cysteine 45 with arginine.
Molecular consequence: missense variant.
Genome position (GRCh38, 1-based): chr17:81,704,302, T>C. VCF-style: chr17-81704302-T-C. GRCh37 (hg19) VCF-style: chr17-79671332-T-C.
Other names: short protein forms C45R.
Identifiers: ClinVar variation 380074 (VCV000380074.32), dbSNP rs112518314, ClinGen allele CA8841263.